The following continues an entry in ClinVar:

NM_001346022.3(USP45):c.845+2T>C

Gene: USP45. ClinVar aggregate classification (germline): Benign. Benign (2).

Submissions 32 to 67 of 98:

Dr. Peter K. Rogan Lab, Western University
No classification provided (evidence only). Condition: Thyroid cancer, nonmedullary, 1. Review status: no classification provided. Collection method: in vitro. Allele origin: not applicable. Functional consequence: retained intron. Not counted in ClinVar's aggregate classification.

Dr. Peter K. Rogan Lab, Western University
No classification provided (evidence only). Condition: Thyroid cancer, nonmedullary, 1. Review status: no classification provided. Collection method: in vitro. Allele origin: not applicable. Functional consequence: retained intron. Not counted in ClinVar's aggregate classification.

Dr. Peter K. Rogan Lab, Western University
No classification provided (evidence only). Condition: Thyroid cancer, nonmedullary, 1. Review status: no classification provided. Collection method: in vitro. Allele origin: not applicable. Functional consequence: retained intron. Not counted in ClinVar's aggregate classification.

Dr. Peter K. Rogan Lab, Western University
No classification provided (evidence only). Condition: Thyroid cancer, nonmedullary, 1. Review status: no classification provided. Collection method: in vitro. Allele origin: not applicable. Functional consequence: retained intron. Not counted in ClinVar's aggregate classification.

Dr. Peter K. Rogan Lab, Western University
No classification provided (evidence only). Condition: Uterine corpus endometrial carcinoma. Review status: no classification provided. Collection method: in vitro. Allele origin: not applicable. Functional consequence: retained intron. Not counted in ClinVar's aggregate classification.

Dr. Peter K. Rogan Lab, Western University
No classification provided (evidence only). Condition: Uterine corpus endometrial carcinoma. Review status: no classification provided. Collection method: in vitro. Allele origin: not applicable. Functional consequence: retained intron. Not counted in ClinVar's aggregate classification.

Dr. Peter K. Rogan Lab, Western University
No classification provided (evidence only). Condition: Uterine corpus endometrial carcinoma. Review status: no classification provided. Collection method: in vitro. Allele origin: not applicable. Functional consequence: retained intron. Not counted in ClinVar's aggregate classification.

Dr. Peter K. Rogan Lab, Western University
No classification provided (evidence only). Condition: Uterine corpus endometrial carcinoma. Review status: no classification provided. Collection method: in vitro. Allele origin: not applicable. Functional consequence: retained intron. Not counted in ClinVar's aggregate classification.

Dr. Peter K. Rogan Lab, Western University
No classification provided (evidence only). Condition: Uterine corpus endometrial carcinoma. Review status: no classification provided. Collection method: in vitro. Allele origin: not applicable. Functional consequence: skipped exon, retained intron. Not counted in ClinVar's aggregate classification.

Dr. Peter K. Rogan Lab, Western University
No classification provided (evidence only). Condition: Cervical cancer. Review status: no classification provided. Collection method: in vitro. Allele origin: not applicable. Functional consequence: retained intron. Not counted in ClinVar's aggregate classification.

Dr. Peter K. Rogan Lab, Western University
No classification provided (evidence only). Condition: Cervical cancer. Review status: no classification provided. Collection method: in vitro. Allele origin: not applicable. Functional consequence: retained intron. Not counted in ClinVar's aggregate classification.

Dr. Peter K. Rogan Lab, Western University
No classification provided (evidence only). Condition: Cervical cancer. Review status: no classification provided. Collection method: in vitro. Allele origin: not applicable. Functional consequence: retained intron. Not counted in ClinVar's aggregate classification.

Dr. Peter K. Rogan Lab, Western University
No classification provided (evidence only). Condition: Cervical cancer. Review status: no classification provided. Collection method: in vitro. Allele origin: not applicable. Functional consequence: retained intron. Not counted in ClinVar's aggregate classification.

Dr. Peter K. Rogan Lab, Western University
No classification provided (evidence only). Condition: Sarcoma. Review status: no classification provided. Collection method: in vitro. Allele origin: not applicable. Functional consequence: retained intron. Not counted in ClinVar's aggregate classification.

Dr. Peter K. Rogan Lab, Western University
No classification provided (evidence only). Condition: Sarcoma. Review status: no classification provided. Collection method: in vitro. Allele origin: not applicable. Functional consequence: retained intron. Not counted in ClinVar's aggregate classification.

Dr. Peter K. Rogan Lab, Western University
No classification provided (evidence only). Condition: Sarcoma. Review status: no classification provided. Collection method: in vitro. Allele origin: not applicable. Functional consequence: retained intron. Not counted in ClinVar's aggregate classification.

Dr. Peter K. Rogan Lab, Western University
No classification provided (evidence only). Condition: Sarcoma. Review status: no classification provided. Collection method: in vitro. Allele origin: not applicable. Functional consequence: retained intron. Not counted in ClinVar's aggregate classification.

Dr. Peter K. Rogan Lab, Western University
No classification provided (evidence only). Condition: Sarcoma. Review status: no classification provided. Collection method: in vitro. Allele origin: not applicable. Functional consequence: retained intron. Not counted in ClinVar's aggregate classification.

Dr. Peter K. Rogan Lab, Western University
No classification provided (evidence only). Condition: Hepatocellular carcinoma. Review status: no classification provided. Collection method: in vitro. Allele origin: not applicable. Functional consequence: retained intron. Not counted in ClinVar's aggregate classification.

Dr. Peter K. Rogan Lab, Western University
No classification provided (evidence only). Condition: Hepatocellular carcinoma. Review status: no classification provided. Collection method: in vitro. Allele origin: not applicable. Functional consequence: retained intron. Not counted in ClinVar's aggregate classification.

Dr. Peter K. Rogan Lab, Western University
No classification provided (evidence only). Condition: Hepatocellular carcinoma. Review status: no classification provided. Collection method: in vitro. Allele origin: not applicable. Functional consequence: retained intron. Not counted in ClinVar's aggregate classification.

Dr. Peter K. Rogan Lab, Western University
No classification provided (evidence only). Condition: Hepatocellular carcinoma. Review status: no classification provided. Collection method: in vitro. Allele origin: not applicable. Functional consequence: retained intron. Not counted in ClinVar's aggregate classification.

Dr. Peter K. Rogan Lab, Western University
No classification provided (evidence only). Condition: Hepatocellular carcinoma. Review status: no classification provided. Collection method: in vitro. Allele origin: not applicable. Functional consequence: retained intron. Not counted in ClinVar's aggregate classification.

Dr. Peter K. Rogan Lab, Western University
No classification provided (evidence only). Condition: Hepatocellular carcinoma. Review status: no classification provided. Collection method: in vitro. Allele origin: not applicable. Functional consequence: retained intron. Not counted in ClinVar's aggregate classification.

Dr. Peter K. Rogan Lab, Western University
No classification provided (evidence only). Condition: Nonpapillary renal cell carcinoma. Review status: no classification provided. Collection method: in vitro. Allele origin: not applicable. Functional consequence: retained intron. Not counted in ClinVar's aggregate classification.

Dr. Peter K. Rogan Lab, Western University
No classification provided (evidence only). Condition: Nonpapillary renal cell carcinoma. Review status: no classification provided. Collection method: in vitro. Allele origin: not applicable. Functional consequence: retained intron. Not counted in ClinVar's aggregate classification.

Dr. Peter K. Rogan Lab, Western University
No classification provided (evidence only). Condition: Nonpapillary renal cell carcinoma. Review status: no classification provided. Collection method: in vitro. Allele origin: not applicable. Functional consequence: retained intron. Not counted in ClinVar's aggregate classification.

Dr. Peter K. Rogan Lab, Western University
No classification provided (evidence only). Condition: Thymoma. Review status: no classification provided. Collection method: in vitro. Allele origin: not applicable. Functional consequence: retained intron. Not counted in ClinVar's aggregate classification.

Dr. Peter K. Rogan Lab, Western University
No classification provided (evidence only). Condition: Thymoma. Review status: no classification provided. Collection method: in vitro. Allele origin: not applicable. Functional consequence: retained intron. Not counted in ClinVar's aggregate classification.

Dr. Peter K. Rogan Lab, Western University
No classification provided (evidence only). Condition: Cholangiocarcinoma. Review status: no classification provided. Collection method: in vitro. Allele origin: not applicable. Functional consequence: skipped exon, retained intron. Not counted in ClinVar's aggregate classification.

Dr. Peter K. Rogan Lab, Western University
No classification provided (evidence only). Condition: Ovarian serous cystadenocarcinoma. Review status: no classification provided. Collection method: in vitro. Allele origin: not applicable. Functional consequence: retained intron. Not counted in ClinVar's aggregate classification.

Dr. Peter K. Rogan Lab, Western University
No classification provided (evidence only). Condition: Ovarian serous cystadenocarcinoma. Review status: no classification provided. Collection method: in vitro. Allele origin: not applicable. Functional consequence: skipped exon, retained intron. Not counted in ClinVar's aggregate classification.

Dr. Peter K. Rogan Lab, Western University
No classification provided (evidence only). Condition: Ovarian serous cystadenocarcinoma. Review status: no classification provided. Collection method: in vitro. Allele origin: not applicable. Functional consequence: retained intron. Not counted in ClinVar's aggregate classification.

Dr. Peter K. Rogan Lab, Western University
No classification provided (evidence only). Condition: Ovarian serous cystadenocarcinoma. Review status: no classification provided. Collection method: in vitro. Allele origin: not applicable. Functional consequence: skipped exon, retained intron. Not counted in ClinVar's aggregate classification.

Dr. Peter K. Rogan Lab, Western University
No classification provided (evidence only). Condition: Ovarian serous cystadenocarcinoma. Review status: no classification provided. Collection method: in vitro. Allele origin: not applicable. Functional consequence: retained intron. Not counted in ClinVar's aggregate classification.

Dr. Peter K. Rogan Lab, Western University
No classification provided (evidence only). Condition: Ovarian serous cystadenocarcinoma. Review status: no classification provided. Collection method: in vitro. Allele origin: not applicable. Functional consequence: skipped exon, retained intron. Not counted in ClinVar's aggregate classification.